The following is an entry in ClinVar:

NM_001170629.2(CHD8):c.3474G>A (p.Met1158Ile)

Gene: CHD8 (chromodomain helicase DNA binding protein 8; minus strand). Cytogenetic location: 14q11.2.
Variant type: single nucleotide variant.
Coding change: c.3474G>A on transcript NM_001170629.2 (MANE Select); coding-DNA position 3474, G replaced by A.
Protein change: p.Met1158Ile; replaces methionine 1158 with isoleucine.
Molecular consequence: missense variant.
Genome position (GRCh38, 1-based): chr14:21,403,497, C>T on the plus strand (G>A on the coding strand, the complement: CHD8 is on the minus strand). VCF-style: chr14-21403497-C-T. GRCh37 (hg19) VCF-style: chr14-21871656-C-T.
Other names: c.2637G>A, p.Met879Ile (NM_020920.4); short protein forms M1158I, M879I.
Identifiers: ClinVar variation 2503171 (VCV002503171.2), dbSNP rs2501902994, ClinGen allele CA388900864.

ClinVar aggregate classification (germline): Uncertain significance (1 of 4 stars; one submission).

Submission:

GeneDx
Classification: Uncertain significance. Last evaluated: 2025-06-13. Review status: criteria provided, single submitter. Criteria: GeneDx Variant Classification Process June 2021. Collection method: clinical testing. Allele origin: germline.
Comment: Not observed at significant frequency in large population cohorts (gnomAD); In silico analysis supports that this missense variant has a deleterious effect on protein structure/function; Has not been previously published as pathogenic or benign to our knowledge